The following is an entry in ClinVar:

ClinVar aggregate classification (germline): Uncertain significance (1 of 4 stars; one submission).

Submission:

Labcorp Genetics (formerly Invitae), Labcorp
Classification: Uncertain significance. Last evaluated: 2025-10-27. Review status: criteria provided, single submitter. Criteria: Invitae Variant Classification Sherloc (09022015). Collection method: clinical testing. Allele origin: germline.
Comment: This sequence change replaces proline, which is neutral and non-polar, with arginine, which is basic and polar, at codon 1985 of the CACNA1B protein (p.Pro1985Arg). This variant is not present in population databases (gnomAD no frequency). This variant has not been reported in the literature in individuals affected with CACNA1B-related conditions. Invitae Evidence Modeling of protein sequence and biophysical properties (such as structural, functional, and spatial information, amino acid conservation, physicochemical variation, residue mobility, and thermodynamic stability) indicates that this missense variant is not expected to disrupt CACNA1B protein function with a negative predictive value of 80%. In summary, the available evidence is currently insufficient to determine the role of this variant in disease. Therefore, it has been classified as a Variant of Uncertain Significance.

NM_000718.4(CACNA1B):c.5954C>G (p.Pro1985Arg)

Gene: CACNA1B (calcium voltage-gated channel subunit alpha1 B; plus strand). Cytogenetic location: 9q34.3.
Variant type: single nucleotide variant.
Coding change: c.5954C>G on transcript NM_000718.4 (MANE Select); coding-DNA position 5954, C replaced by G.
Protein change: p.Pro1985Arg; replaces proline 1985 with arginine.
Molecular consequence: missense variant.
Genome position (GRCh38, 1-based): chr9:138,118,692, C>G. VCF-style: chr9-138118692-C-G. GRCh37 (hg19) VCF-style: chr9-141013144-C-G.
Other names: c.5954C>G, p.Pro1985Arg (NM_001243812.2); short protein forms P1985R.
Identifiers: ClinVar variation 4762504 (VCV004762504.1).